The following is an entry in ClinVar:

ClinVar aggregate classification (germline): Pathogenic (1 of 4 stars; one submission).

Conditions:
Supravalvar aortic stenosis (SVAS). Also called: Supravalvar aortic stenosis, Eisenberg type. Identifiers: Orphanet 3193, MedGen C0003499, MONDO:0008504, OMIM 185500, HP:0004381.

Submission:

Labcorp Genetics (formerly Invitae), Labcorp
Classification: Pathogenic for Supravalvar aortic stenosis. Last evaluated: 2024-09-26. Review status: criteria provided, single submitter. Criteria: Invitae Variant Classification Sherloc (09022015). Collection method: clinical testing. Allele origin: germline.
Comment: This sequence change creates a premature translational stop signal (p.Tyr221Alafs*42) in the ELN gene. It is expected to result in an absent or disrupted protein product. Loss-of-function variants in ELN are known to be pathogenic (PMID: 11175284). This variant is not present in population databases (gnomAD no frequency). This variant has not been reported in the literature in individuals affected with ELN-related conditions. For these reasons, this variant has been classified as Pathogenic.

Literature cited by the submitters: PubMed 11175284.

NM_000501.4(ELN):c.656_659dup (p.Tyr221fs)

Gene: ELN (elastin; plus strand). Cytogenetic location: 7q11.23.
Variant type: Duplication.
Coding change: c.656_659dup on transcript NM_000501.4 (MANE Select); coding-DNA positions 656 to 659, 4 bases duplicated (TGCC; older notation c.656_659dupTGCC).
Protein change: p.Tyr221fs; shifts the reading frame from tyrosine 221.
Molecular consequence: frameshift variant. On other transcripts: intron variant (2).
Genome position (GRCh38, 1-based): chr7:74,047,687-74,047,690, TGCC duplicated; duplicating any 4 consecutive bases within chr7:74,047,686-74,047,690 gives the same sequence; the c. name uses the placement nearest the transcript's 3' end. VCF-style (leftmost placement, unchanged base first): chr7-74047685-A-ACTGC. GRCh37 (hg19) VCF-style: chr7-73462015-A-ACTGC.
Other names: c.626_629dup, p.Tyr211fs (NM_001081752.3, NM_001278917.2); c.671_674dup, p.Tyr226fs (NM_001081753.3, NM_001081754.3); c.656_659dup, p.Tyr221fs (NM_001081755.3, NM_001278912.2, NM_001278915.2 and 1 more transcripts); c.641_644dup, p.Tyr216fs (NM_001278914.2); c.524_527dup, p.Tyr177fs (NM_001278918.2); c.644-455_644-452dup (NM_001278916.2); c.578-455_578-452dup (NM_001278913.2); short protein forms Y211fs, Y216fs, Y177fs, Y221fs, Y226fs.
Identifiers: ClinVar variation 3721517 (VCV003721517.2).